The following is an entry in ClinVar:

ClinVar aggregate classification (germline): Benign/Likely benign. Review status: criteria provided, multiple submitters, no conflicts (2 of 4 stars). 3 submissions from 3 submitters: Benign (2); Likely benign (1). Last evaluated 2026-03-01.

Allele frequency attached by ClinVar (database versions not stated): gnomAD exomes 0.00010 and 0.00026; ExAC 0.00033; gnomAD 0.00075 and 0.00079; TOPMed 0.00111; 1000 Genomes Project 30x 0.00125; 1000 Genomes Project 0.00132; ESP Exome Variant Server 0.00142.
gnomAD v4.1: 197 of 1,209,769 alleles (0.016%); highest among the groups gnomAD compares: African/African-American, 0.29%; no homozygotes.

Submissions (3):

CeGaT Center for Human Genetics Tuebingen
Classification: Likely benign. Last evaluated: 2026-03-01. Review status: criteria provided, single submitter. Criteria: CeGaT Center For Human Genetics Tuebingen Variant Classification Criteria Version 2. Collection method: clinical testing. Allele origin: germline. Affected: yes. Observed: 2 variant alleles.
Comment: TAF1: BP4, BS2

Labcorp Genetics (formerly Invitae), Labcorp
Classification: Benign. Last evaluated: 2025-12-30. Review status: criteria provided, single submitter. Criteria: Invitae Variant Classification Sherloc (09022015). Collection method: clinical testing. Allele origin: germline.

Mayo Clinic Laboratories, Mayo Clinic
Classification: Benign. Last evaluated: 2024-11-04. Review status: criteria provided, single submitter. Criteria: ACMG Guidelines, 2015. Collection method: clinical testing. Allele origin: germline. Observed: 1 variant allele.
Comment: BS1, BS2, BP4

NM_004606.5(TAF1):c.830A>T (p.Gln277Leu)

Gene: TAF1 (TATA-box binding protein associated factor 1; plus strand). Cytogenetic location: Xq13.1.
Variant type: single nucleotide variant.
Coding change: c.830A>T on transcript NM_004606.5 (MANE Select); coding-DNA position 830, A replaced by T.
Protein change: p.Gln277Leu; replaces glutamine 277 with leucine.
Molecular consequence: missense variant. On other transcripts: non-coding transcript variant (9).
Genome position (GRCh38, 1-based): chrX:71,377,718, A>T. VCF-style: chrX-71377718-A-T. GRCh37 (hg19) VCF-style: chrX-70597568-A-T.
Other names: p.Gln297Leu; c.830A>T, p.Gln277Leu (NM_001286074.2); c.767A>T, p.Gln256Leu (NM_138923.4); short protein forms Q256L, Q277L.
Identifiers: ClinVar variation 695550 (VCV000695550.33), dbSNP rs150416138, ClinGen allele CA10446621.